The following is an entry in ClinVar:

ClinVar aggregate classification (germline): Uncertain significance (1 of 4 stars; one submission).

Conditions:
Ichthyosis linearis circumflexa. Identifiers: MedGen C0265962, MONDO:0043106, HP:0025810.

Allele frequency attached by ClinVar (database versions not stated): gnomAD exomes below 0.00001 and 0.00001; TOPMed 0.00001.
gnomAD v4.1: 7 of 1,609,500 alleles (0.00043%); highest among the groups gnomAD compares: South Asian, 0.0077%; no homozygotes.

Submission:

Labcorp Genetics (formerly Invitae), Labcorp
Classification: Uncertain significance for Ichthyosis linearis circumflexa. Last evaluated: 2025-04-09. Review status: criteria provided, single submitter. Criteria: Invitae Variant Classification Sherloc (09022015). Collection method: clinical testing. Allele origin: germline.
Comment: This sequence change replaces glutamic acid, which is acidic and polar, with alanine, which is neutral and non-polar, at codon 411 of the SPINK5 protein (p.Glu411Ala). This variant is not present in population databases (gnomAD no frequency). This variant has not been reported in the literature in individuals affected with SPINK5-related conditions. ClinVar contains an entry for this variant (Variation ID: 1512585). Invitae Evidence Modeling of protein sequence and biophysical properties (such as structural, functional, and spatial information, amino acid conservation, physicochemical variation, residue mobility, and thermodynamic stability) indicates that this missense variant is not expected to disrupt SPINK5 protein function with a negative predictive value of 80%. In summary, the available evidence is currently insufficient to determine the role of this variant in disease. Therefore, it has been classified as a Variant of Uncertain Significance.

NM_006846.4(SPINK5):c.1232A>C (p.Glu411Ala)

Gene: SPINK5 (serine peptidase inhibitor Kazal type 5; plus strand). Cytogenetic location: 5q32.
Variant type: single nucleotide variant.
Coding change: c.1232A>C on transcript NM_006846.4 (MANE Select); coding-DNA position 1232, A replaced by C.
Protein change: p.Glu411Ala; replaces glutamic acid 411 with alanine.
Molecular consequence: missense variant.
Genome position (GRCh38, 1-based): chr5:148,101,366, A>C. VCF-style: chr5-148101366-A-C. GRCh37 (hg19) VCF-style: chr5-147480929-A-C.
Other names: c.1232A>C, p.Glu411Ala (NM_001127698.2, NM_001127699.2); short protein forms E411A.
Identifiers: ClinVar variation 1512585 (VCV001512585.6), dbSNP rs1561689256, ClinGen allele CA361636864.